The following is an entry in ClinVar:

ClinVar aggregate classification (germline): Uncertain significance. Review status: criteria provided, multiple submitters, no conflicts (2 of 4 stars). 3 submissions from 3 submitters: Uncertain significance (3). Last evaluated 2025-11-08.

Allele frequency attached by ClinVar (database versions not stated): ExAC 0.00001; gnomAD 0.00001 and 0.00003; gnomAD exomes 0.00002 and 0.00003; TOPMed 0.00002; 1000 Genomes Project 30x 0.00016.
gnomAD v4.1: 34 of 1,601,390 alleles (0.0021%); highest among the groups gnomAD compares: Admixed American, 0.0086%; no homozygotes.

Submissions (3):

Ambry Genetics
Classification: Uncertain significance. Last evaluated: 2025-11-08. Review status: criteria provided, single submitter. Criteria: Ambry Variant Classification Scheme 2023. Collection method: clinical testing. Allele origin: germline.

Labcorp Genetics (formerly Invitae), Labcorp
Classification: Uncertain significance. Last evaluated: 2025-11-03. Review status: criteria provided, single submitter. Criteria: Invitae Variant Classification Sherloc (09022015). Collection method: clinical testing. Allele origin: germline.
Comment: This sequence change replaces arginine, which is basic and polar, with glutamine, which is neutral and polar, at codon 291 of the RECQL protein (p.Arg291Gln). This variant is present in population databases (rs772428927, gnomAD 0.01%). This variant has not been reported in the literature in individuals affected with RECQL-related conditions. ClinVar contains an entry for this variant (Variation ID: 843020). Invitae Evidence Modeling of protein sequence and biophysical properties (such as structural, functional, and spatial information, amino acid conservation, physicochemical variation, residue mobility, and thermodynamic stability) indicates that this missense variant is not expected to disrupt RECQL protein function with a negative predictive value of 80%. In summary, the available evidence is currently insufficient to determine the role of this variant in disease. Therefore, it has been classified as a Variant of Uncertain Significance.

Quest Diagnostics Nichols Institute San Juan Capistrano
Classification: Uncertain significance. Last evaluated: 2025-02-05. Review status: criteria provided, single submitter. Criteria: Quest Diagnostics criteria. Collection method: clinical testing. Allele origin: unknown.
Comment: The RECQL c.872G>A (p.Arg291Gln) variant has been reported in the published literature in individuals with breast cancer as well as reportedly healthy individuals (PMID: 33471991 (2021), see also LOVD). The frequency of this variant in the general population (Genome Aggregation Database) is uninformative in the assessment of its pathogenicity. Analysis of this variant using bioinformatics tools for the prediction of the effect of amino acid changes on protein structure and function yielded conflicting predictions that this variant is deleterious or benign. Based on the available information, we are unable to determine the clinical significance of this variant.

Literature cited by the submitters: PubMed 33471991 (cited by Quest Diagnostics Nichols Institute San Juan Capistrano).

NM_002907.4(RECQL):c.872G>A (p.Arg291Gln)

Gene: RECQL (RecQ like helicase; minus strand). Cytogenetic location: 12p12.1.
Variant type: single nucleotide variant.
Coding change: c.872G>A on transcript NM_002907.4 (MANE Select); coding-DNA position 872, G replaced by A.
Protein change: p.Arg291Gln; replaces arginine 291 with glutamine.
Molecular consequence: missense variant.
Genome position (GRCh38, 1-based): chr12:21,476,988, C>T on the plus strand (G>A on the coding strand, the complement: RECQL is on the minus strand). VCF-style: chr12-21476988-C-T. GRCh37 (hg19) VCF-style: chr12-21629922-C-T.
Other names: c.872G>A, p.Arg291Gln (NM_032941.3); short protein forms R291Q.
Identifiers: ClinVar variation 843020 (VCV000843020.14), dbSNP rs772428927, ClinGen allele CA6478928.